The following is an entry in ClinVar:

NM_004999.4(MYO6):c.2658+20A>C

Gene: MYO6 (myosin VI; plus strand). Cytogenetic location: 6q14.1.
Variant type: single nucleotide variant.
Coding change: c.2658+20A>C on transcript NM_004999.4 (MANE Select); 20 bases into the intron after coding-DNA position 2658, A replaced by C.
Molecular consequence: intron variant.
Genome position (GRCh38, 1-based): chr6:75,887,014, A>C. VCF-style: chr6-75887014-A-C. GRCh37 (hg19) VCF-style: chr6-76596731-A-C.
Other names: c.2658+20A>C (NM_001368865.1, NM_001368866.1, NM_001368137.1 and 2 more transcripts); c.2643+20A>C (NM_001368138.1).
Identifiers: ClinVar variation 45148 (VCV000045148.16), dbSNP rs2295937, ClinGen allele CA135616.

ClinVar aggregate classification (germline): Benign. Review status: criteria provided, multiple submitters, no conflicts (2 of 4 stars). 3 submissions from 3 submitters: Benign (3). Last evaluated 2026-02-01.

Allele frequency attached by ClinVar (database versions not stated): ESP Exome Variant Server 0.00138; TOPMed 0.01011; gnomAD 0.01861; 1000 Genomes Project 30x 0.03638; 1000 Genomes Project 0.03894.
gnomAD v4.1: 16,382 of 1,600,182 alleles (1%); highest among the groups gnomAD compares: East Asian, 15%; 757 homozygotes.

Submissions (3):

Labcorp Genetics (formerly Invitae), Labcorp
Classification: Benign. Last evaluated: 2026-02-01. Review status: criteria provided, single submitter. Criteria: Invitae Variant Classification Sherloc (09022015). Collection method: clinical testing. Allele origin: germline.

GeneDx
Classification: Benign. Last evaluated: 2018-06-29. Review status: criteria provided, single submitter. Criteria: GeneDx Variant Classification Process June 2021. Collection method: clinical testing. Allele origin: germline. Affected: yes.

Laboratory for Molecular Medicine, Mass General Brigham Personalized Medicine
Classification: Benign. Last evaluated: 2010-04-23. Review status: criteria provided, single submitter. Criteria: LMM Criteria. Collection method: clinical testing. Allele origin: germline. Observed: 7 variant alleles.
Comment: Changed to benign based on frequency